The following is an entry in ClinVar:

NM_012193.4(FZD4):c.418C>T (p.Pro140Ser)

Genes: FZD4 (frizzled class receptor 4; minus strand), PRSS23 (serine protease 23; plus strand). Cytogenetic location: 11q14.2.
Variant type: single nucleotide variant.
Coding change: c.418C>T on transcript NM_012193.4 (MANE Select); coding-DNA position 418, C replaced by T.
Protein change: p.Pro140Ser; replaces proline 140 with serine.
Molecular consequence: missense variant. On other transcripts: non-coding transcript variant (2).
Genome position (GRCh38, 1-based): chr11:86,952,338, G>A on the plus strand (C>T on the coding strand, the complement: FZD4 is on the minus strand). VCF-style: chr11-86952338-G-A. GRCh37 (hg19) VCF-style: chr11-86663380-G-A.
Other names: short protein forms P140S.
Identifiers: ClinVar variation 1721619 (VCV001721619.5), dbSNP rs2495868902, ClinGen allele CA382016609.
Genomic context (GRCh38, chr11:86,952,338, plus strand): 5'-CCATGCACATGTGGTTGTGGTCGTTCTGTGGTGGGAATTTGCTGCAGTTCAGACTCTCTG[G>A]CCAGGCAAATCCAAATTCCTTCAGGACGGGTTCACAGCGTCTCTTGACTGAAAGACACAT-3'
Protein context (NP_036325.2, residues 130-150): PVLKEFGFAW[Pro140Ser]ESLNCSKFPP

ClinVar aggregate classification (germline): Uncertain significance (1 of 4 stars; one submission).

Submission:

Labcorp Genetics (formerly Invitae), Labcorp
Classification: Uncertain significance. Last evaluated: 2022-10-24. Review status: criteria provided, single submitter. Criteria: Invitae Variant Classification Sherloc (09022015). Collection method: clinical testing. Allele origin: germline.
Comment: In summary, the available evidence is currently insufficient to determine the role of this variant in disease. Therefore, it has been classified as a Variant of Uncertain Significance. Algorithms developed to predict the effect of missense changes on protein structure and function (SIFT, PolyPhen-2, Align-GVGD) all suggest that this variant is likely to be disruptive. This variant has not been reported in the literature in individuals affected with FZD4-related conditions. This variant is not present in population databases (gnomAD no frequency). This sequence change replaces proline, which is neutral and non-polar, with serine, which is neutral and polar, at codon 140 of the FZD4 protein (p.Pro140Ser).